The following is an entry in ClinVar:

NM_002381.5(MATN3):c.1020T>C (p.Asn340=)

Genes: MATN3 (matrilin 3; minus strand), WDR35-DT (WDR35 divergent transcript; plus strand). Cytogenetic location: 2p24.1.
Variant type: single nucleotide variant.
Coding change: c.1020T>C on transcript NM_002381.5 (MANE Select); coding-DNA position 1020, T replaced by C.
Protein change: p.Asn340=; no amino-acid change (asparagine 340 retained).
Molecular consequence: synonymous variant.
Genome position (GRCh38, 1-based): chr2:20,001,977, A>G on the plus strand (T>C on the coding strand, the complement: MATN3 is on the minus strand). VCF-style: chr2-20001977-A-G. GRCh37 (hg19) VCF-style: chr2-20201738-A-G.
Identifiers: ClinVar variation 3055122 (VCV003055122.2), dbSNP rs745606215, ClinGen allele CA1543827.

ClinVar aggregate classification (germline): Likely benign (0 of 4 stars; one submission).

Conditions:
MATN3-related disorder. Also called: MATN3-related condition.

Allele frequency attached by ClinVar (database versions not stated): gnomAD exomes below 0.00001; TOPMed below 0.00001; ExAC 0.00001.
gnomAD v4.1: 8 of 1,613,644 alleles (0.0005%); highest among the groups gnomAD compares: Admixed American, 0.0017%; no homozygotes.

Submission:

PreventionGenetics, part of Exact Sciences
Classification: Likely benign for MATN3-related condition. Last evaluated: 2020-04-01. Review status: no assertion criteria provided. Collection method: clinical testing. Allele origin: germline.
Comment: This variant is classified as likely benign based on ACMG/AMP sequence variant interpretation guidelines (Richards et al. 2015 PMID: 25741868, with internal and published modifications).